The following is an entry in ClinVar:

ClinVar aggregate classification (germline): Likely pathogenic (1 of 4 stars; one submission).

Conditions:
Spinocerebellar ataxia type 15/16 (SCA15). Also called: Spinocerebellar Ataxia Type 15. Identifiers: Orphanet 98769, MedGen C1847725, MONDO:0011694, OMIM 606658.

Submission:

Victorian Clinical Genetics Services, Murdoch Childrens Research Institute
Classification: Likely pathogenic for Spinocerebellar ataxia type 15/16. Last evaluated: 2021-05-06. Review status: criteria provided, single submitter. Criteria: ACMG Guidelines, 2015. Collection method: clinical testing. Allele origin: germline. Inheritance: Autosomal dominant inheritance. Affected: yes.
Comment: Based on the classification scheme VCGS_Germline_v1.3.3, this variant is classified as Likely Pathogenic. Following criteria are met: 0103 - Loss of function and gain of function are known mechanisms of disease in this gene and are associated with ITPR1-related spinocerebellar ataxia. Missense variants have been reported to cause both loss and gain of function mechanisms, while variants resulting in a premature termination codon have been reported to cause loss of function only (PMID:28620721, PMID:29925855, OMIM). (I) 0108 - This gene is associated with both recessive and dominant disease. Gillespie syndrome (MIM#206700) and congenital nonprogressive spinocerebellar ataxia 29 (MIM#117360) can both be either austomonal dominant or recessive, whereas spinocerebellar ataxia 15 (MIM#606658) is inherited in a dominant manner. There is no established genotype-phenotype correlation regarding the location of a variant and its mode of inheritance, however only biallelic loss of function variants have been reported for recessive disease (PMID: 29925855). (I) 0200 - Variant is predicted to result in a missense amino acid change from isoleucine to valine. (I) 0251 - This variant is heterozygous. (I) 0301 - Variant is absent from gnomAD (both v2 and v3). (SP) 0502 - Missense variant with conflicting in silico predictions but very high conservation. (I) 0603 - Missense variant in a region that is highly intolerant to missense variation (high constraint region in DECIPHER) in the annotated ion transport domain (NCBI). (SP) 0705 - No comparable missense variants have previous evidence for pathogenicity. (I) 0807 - This variant has no previous evidence of pathogenicity. (I) 0905 - No published segregation evidence has been identified for this variant. (I) 1007 - No published functional evidence has been identified for this variant. (SP) Legend: (SP) - Supporting pathogenic, (I) - Information, (SB) - Supporting benign

Literature cited by the submitters: PubMed 28620721; PubMed 29925855.

NM_001378452.1(ITPR1):c.7345A>G (p.Ile2449Val)

Gene: ITPR1 (inositol 1,4,5-trisphosphate receptor type 1; plus strand). Cytogenetic location: 3p26.1.
Variant type: single nucleotide variant.
Coding change: c.7345A>G on transcript NM_001378452.1 (MANE Select); coding-DNA position 7345, A replaced by G.
Protein change: p.Ile2449Val; replaces isoleucine 2449 with valine.
Molecular consequence: missense variant.
Genome position (GRCh38, 1-based): chr3:4,811,337, A>G. VCF-style: chr3-4811337-A-G. GRCh37 (hg19) VCF-style: chr3-4853021-A-G.
Other names: c.7201A>G, p.Ile2401Val (NM_001099952.4); c.7300A>G, p.Ile2434Val (NM_001168272.2); c.7156A>G, p.Ile2386Val (NM_002222.7); short protein forms I2386V, I2401V, I2434V, I2449V.
Identifiers: ClinVar variation 3377473 (VCV003377473.1).